The following is an entry in ClinVar:

ClinVar aggregate classification (germline): Benign/Likely benign. Review status: criteria provided, multiple submitters, no conflicts (2 of 4 stars). 4 submissions from 4 submitters: Benign (1); Likely benign (3). Last evaluated 2025-07-23.

Conditions:
Tuberous sclerosis 1 (TSC1). Identifiers: Orphanet 805, MedGen C1854465, MONDO:0008612, OMIM 191100.
Hereditary cancer-predisposing syndrome. Also called: Tumor predisposition; Hereditary Cancer Syndrome; Neoplastic Syndromes, Hereditary; Hereditary neoplastic syndrome. Identifiers: Orphanet 140162, MedGen C0027672, MeSH D009386, MONDO:0015356.

Allele frequency attached by ClinVar (database versions not stated): gnomAD exomes below 0.00001 and 0.00001; gnomAD 0.00001; TOPMed 0.00002.
gnomAD v4.1: 3 of 1,613,534 alleles (0.00019%); highest among the groups gnomAD compares: African/African-American, 0.004%; no homozygotes.

Submissions (4):

Labcorp Genetics (formerly Invitae), Labcorp
Classification: Likely benign for Tuberous sclerosis 1. Last evaluated: 2025-07-23. Review status: criteria provided, single submitter. Criteria: Invitae Variant Classification Sherloc (09022015). Collection method: clinical testing. Allele origin: germline.

Myriad Genetics, Inc.
Classification: Benign for Tuberous sclerosis 1. Last evaluated: 2025-04-29. Review status: criteria provided, single submitter. Criteria: Myriad Autosomal Dominant, Autosomal Recessive and X-Linked Classification Criteria (2023). Collection method: clinical testing. Allele origin: unknown.
Comment: This variant is considered benign. This variant is a silent/synonymous amino acid change and it is not expected to impact splicing.

Ambry Genetics
Classification: Likely benign for Hereditary cancer-predisposing syndrome. Last evaluated: 2022-08-23. Review status: criteria provided, single submitter. Criteria: Ambry Variant Classification Scheme 2023. Collection method: clinical testing. Allele origin: germline.

Sema4
Classification: Likely benign for Hereditary cancer-predisposing syndrome. Last evaluated: 2021-03-03. Review status: criteria provided, single submitter. Criteria: Sema4 Curation Guidelines. Collection method: curation. Allele origin: germline.

NM_000368.5(TSC1):c.3135T>C (p.Leu1045=)

Gene: TSC1 (TSC complex subunit 1; minus strand). Cytogenetic location: 9q34.13.
Variant type: single nucleotide variant.
Coding change: c.3135T>C on transcript NM_000368.5 (MANE Select); coding-DNA position 3135, T replaced by C.
Protein change: p.Leu1045=; no amino-acid change (leucine 1045 retained).
Molecular consequence: synonymous variant.
Genome position (GRCh38, 1-based): chr9:132,896,595, A>G on the plus strand (T>C on the coding strand, the complement: TSC1 is on the minus strand). VCF-style: chr9-132896595-A-G. GRCh37 (hg19) VCF-style: chr9-135771982-A-G.
Other names: c.3132T>C, p.Leu1044= (NM_001162426.2); c.2982T>C, p.Leu994= (NM_001162427.2); c.2772T>C, p.Leu924= (NM_001362177.2).
Identifiers: ClinVar variation 746491 (VCV000746491.15), dbSNP rs1332702219, ClinGen allele CA467812813.